The following is an entry in ClinVar:

NM_001374736.1(DST):c.2701A>G (p.Thr901Ala)

Gene: DST (dystonin; minus strand). Cytogenetic location: 6p12.1.
Variant type: single nucleotide variant.
Coding change: c.2701A>G on transcript NM_001374736.1 (MANE Select); coding-DNA position 2701, A replaced by G.
Protein change: p.Thr901Ala; replaces threonine 901 with alanine.
Molecular consequence: missense variant.
Genome position (GRCh38, 1-based): chr6:56,639,608, T>C on the plus strand (A>G on the coding strand, the complement: DST is on the minus strand). VCF-style: chr6-56639608-T-C. GRCh37 (hg19) VCF-style: chr6-56504406-T-C.
Other names: p.Thr364Ala; c.2602A>G, p.Thr868Ala (NM_001144769.5); c.2188A>G, p.Thr730Ala (NM_001144770.2); c.2701A>G, p.Thr901Ala (NM_001374722.1); c.2068A>G, p.Thr690Ala (NM_001374729.1, NM_001374730.1, NM_001386100.1 and 1 more transcripts); c.2728A>G, p.Thr910Ala (NM_001374734.1); c.1090A>G, p.Thr364Ala (NM_001723.7, NM_015548.5); short protein forms T364A, T690A, T730A, T868A, T901A, T910A.
Identifiers: ClinVar variation 1016212 (VCV001016212.7), dbSNP rs539351151, ClinGen allele CA3871341.
Genomic context (GRCh38, chr6:56,639,608, plus strand): 5'-TAGTCGCACGACTTACAAAATTATGGAGTGTATCAAGGTGCCGTTCTTGATTCCTGGATG[T>C]ATTCTTTAGTAAGGAAAATCATCATAAGAATCATGTTTTTGCCAAATATAGATAAGGGAA-3'
Protein context (NP_001361665.1, residues 891-911): LESQYAKLLN[Thr901Ala]SRNQERHLDT

ClinVar aggregate classification (germline): Uncertain significance. Review status: criteria provided, multiple submitters, no conflicts (2 of 4 stars). 2 submissions from 2 submitters: Uncertain significance (2). Last evaluated 2025-04-28.

Conditions:
Hereditary sensory and autonomic neuropathy type 6. Also called: HSAN VI; Neuropathy, hereditary sensory and autonomic, type VI. Identifiers: Orphanet 314381, MedGen C3539003, MONDO:0013839, OMIM 614653.
Epidermolysis bullosa simplex 3, localized or generalized intermediate, with BP230 deficiency (EBS3). Also called: Epidermolysis bullosa simplex, autosomal recessive 2; Epidermolysis bullosa simplex due to BP230 deficiency. Identifiers: Orphanet 412181, MedGen C3809470, MONDO:0014180, OMIM 615425.

Allele frequency attached by ClinVar (database versions not stated): gnomAD 0.00001; gnomAD exomes 0.00001; ExAC 0.00002; TOPMed 0.00002; 1000 Genomes Project 30x 0.00016; 1000 Genomes Project 0.00020.
gnomAD v4.1: 10 of 1,613,842 alleles (0.00062%); highest among the groups gnomAD compares: African/African-American, 0.004%; no homozygotes.

Submissions (2):

Mayo Clinic Laboratories, Mayo Clinic
Classification: Uncertain significance. Last evaluated: 2025-04-28. Review status: criteria provided, single submitter. Criteria: ACMG Guidelines, 2015. Collection method: clinical testing. Allele origin: germline. Observed: 1 variant allele.
Comment: PM2_supporting

Labcorp Genetics (formerly Invitae), Labcorp
Classification: Uncertain significance for Epidermolysis bullosa simplex 3, localized or generalized intermediate, with BP230 deficiency; Hereditary sensory and autonomic neuropathy type 6. Last evaluated: 2022-09-06. Review status: criteria provided, single submitter. Criteria: Invitae Variant Classification Sherloc (09022015). Collection method: clinical testing. Allele origin: germline.
Comment: This sequence change replaces threonine, which is neutral and polar, with alanine, which is neutral and non-polar, at codon 364 of the DST protein (p.Thr364Ala). This variant is present in population databases (rs539351151, gnomAD 0.01%). This variant has not been reported in the literature in individuals affected with DST-related conditions. ClinVar contains an entry for this variant (Variation ID: 1016212). Algorithms developed to predict the effect of missense changes on protein structure and function output the following: SIFT: "Deleterious"; PolyPhen-2: "Benign"; Align-GVGD: "Class C55". The alanine amino acid residue is found in multiple mammalian species, which suggests that this missense change does not adversely affect protein function. In summary, the available evidence is currently insufficient to determine the role of this variant in disease. Therefore, it has been classified as a Variant of Uncertain Significance.